The following is an entry in ClinVar:

ClinVar aggregate classification (germline): Likely benign. Review status: criteria provided, single submitter (1 of 4 stars). 2 submissions from 2 submitters: Likely benign (1). 1 of the submissions does not count toward it. Last evaluated 2023-07-17.

Conditions:
PRPF31-related disorder. Also called: PRPF31-related condition.

Allele frequency attached by ClinVar (database versions not stated): gnomAD exomes below 0.00001; TOPMed below 0.00001; gnomAD 0.00001.
gnomAD v4.1: 3 of 1,613,906 alleles (0.00019%); highest among the groups gnomAD compares: Non-Finnish European, 0.00025%; no homozygotes.

Submissions (2):

Labcorp Genetics (formerly Invitae), Labcorp
Classification: Likely benign. Last evaluated: 2023-07-17. Review status: criteria provided, single submitter. Criteria: Invitae Variant Classification Sherloc (09022015). Collection method: clinical testing. Allele origin: germline.

PreventionGenetics, part of Exact Sciences
Classification: Likely benign for PRPF31-related condition. Last evaluated: 2019-09-16. Review status: no assertion criteria provided. Collection method: clinical testing. Allele origin: germline. Not counted in ClinVar's aggregate classification.
Comment: This variant is classified as likely benign based on ACMG/AMP sequence variant interpretation guidelines (Richards et al. 2015 PMID: 25741868, with internal and published modifications).

NM_015629.4(PRPF31):c.660C>T (p.Ser220=)

Gene: PRPF31 (pre-mRNA processing factor 31; plus strand). Cytogenetic location: 19q13.42.
Variant type: single nucleotide variant.
Coding change: c.660C>T on transcript NM_015629.4 (MANE Select); coding-DNA position 660, C replaced by T.
Protein change: p.Ser220=; no amino-acid change (serine 220 retained).
Molecular consequence: synonymous variant.
Genome position (GRCh38, 1-based): chr19:54,123,881, C>T. VCF-style: chr19-54123881-C-T. GRCh37 (hg19) VCF-style: chr19-54627260-C-T.
Other names: c.660C>T (NM_015629.3).
Identifiers: ClinVar variation 2095693 (VCV002095693.6), dbSNP rs1463514560, ClinGen allele CA883535741.
Genomic context (GRCh38, chr19:54,123,881, plus strand): 5'-CAAGCACCGCATCTACGAGTATGTGGAGTCCCGGATGTCCTTCATCGCACCCAACCTGTC[C>T]ATCATTATCGGGGCATCCACGGCCGCCAAGATCATGGGTGAGTCCCCGGGCTGGGTCCCA-3'
Protein context (NP_056444.3, residues 210-230): SRMSFIAPNL[Ser220=]IIIGASTAAK